The following is an entry in ClinVar:

ClinVar aggregate classification (germline): Pathogenic (1 of 4 stars; one submission).

Submission:

Labcorp Genetics (formerly Invitae), Labcorp
Classification: Pathogenic. Last evaluated: 2023-12-11. Review status: criteria provided, single submitter. Criteria: Invitae Variant Classification Sherloc (09022015). Collection method: clinical testing. Allele origin: germline.
Comment: This sequence change creates a premature translational stop signal (p.Glu414Leufs*24) in the PDZD7 gene. It is expected to result in an absent or disrupted protein product. Loss-of-function variants in PDZD7 are known to be pathogenic (PMID: 20440071). This variant is present in population databases (no rsID available, gnomAD 0.008%). This variant has not been reported in the literature in individuals affected with PDZD7-related conditions. For these reasons, this variant has been classified as Pathogenic.

Literature cited by the submitters: PubMed 20440071.

NM_001195263.2(PDZD7):c.1236_1239del (p.Glu414fs)

Gene: PDZD7 (PDZ domain containing 7; minus strand). Cytogenetic location: 10q24.31.
Variant type: Microsatellite.
Coding change: c.1236_1239del on transcript NM_001195263.2 (MANE Select); coding-DNA positions 1236 to 1239, 4 bases deleted (CTCT; older notation c.1236_1239delCTCT).
Protein change: p.Glu414fs; shifts the reading frame from glutamic acid 414.
Molecular consequence: frameshift variant.
Genome position (GRCh38, 1-based): chr10:101,018,907-101,018,910, AGAG deleted on the plus strand (CTCT on the coding strand, the reverse complement: PDZD7 is on the minus strand); deleting any 4 consecutive bases within chr10:101,018,907-101,018,912 gives the same sequence; the c. name uses the placement nearest the transcript's 3' end. VCF-style (leftmost placement, unchanged base first): chr10-101018906-CAGAG-C. GRCh37 (hg19) VCF-style: chr10-102778663-CAGAG-C.
Other names: c.1236_1239del, p.Glu414fs (NM_001351044.2, NM_024895.5); short protein forms E414fs.
Identifiers: ClinVar variation 2901768 (VCV002901768.3), dbSNP rs1287977867, ClinGen allele CA595644061.